The following is an entry in ClinVar:

ClinVar aggregate classification (germline): Uncertain significance. Review status: criteria provided, multiple submitters, no conflicts (2 of 4 stars). 2 submissions from 2 submitters: Uncertain significance (2). Last evaluated 2023-12-17.

Conditions:
Inborn genetic diseases. Identifiers: MedGen C0950123, MeSH D030342.

Allele frequency attached by ClinVar (database versions not stated): gnomAD exomes 0.00001; TOPMed 0.00005; gnomAD 0.00007.
gnomAD v4.1: 26 of 1,610,740 alleles (0.0016%); highest among the groups gnomAD compares: African/African-American, 0.015%; no homozygotes.

Submissions (3):

Ambry Genetics
Classification: Uncertain significance for Inborn genetic diseases. Last evaluated: 2023-12-17. Review status: criteria provided, single submitter. Criteria: Ambry Variant Classification Scheme 2023. Collection method: clinical testing. Allele origin: germline.

Labcorp Genetics (formerly Invitae), Labcorp
Classification: Uncertain significance. Last evaluated: 2021-12-15. Review status: criteria provided, single submitter. Criteria: Invitae Variant Classification Sherloc (09022015). Collection method: clinical testing. Allele origin: germline.
Comment: The frequency data for this variant in the population databases is considered unreliable, as metrics indicate poor data quality at this position in the gnomAD database. This sequence change replaces threonine, which is neutral and polar, with methionine, which is neutral and non-polar, at codon 1573 of the LTBP2 protein (p.Thr1573Met). This variant has not been reported in the literature in individuals affected with LTBP2-related conditions. In summary, the available evidence is currently insufficient to determine the role of this variant in disease. Therefore, it has been classified as a Variant of Uncertain Significance. Algorithms developed to predict the effect of missense changes on protein structure and function output the following: SIFT: "Tolerated"; PolyPhen-2: "Benign"; Align-GVGD: "Class C0". The methionine amino acid residue is found in multiple mammalian species, which suggests that this missense change does not adversely affect protein function.

Dr. Peter K. Rogan Lab, Western University
No classification provided (evidence only). Condition: Gastric cancer. Review status: no classification provided. Collection method: in vitro. Allele origin: not applicable. Functional consequence: retained intron. Not counted in ClinVar's aggregate classification.

NM_000428.3(LTBP2):c.4718C>T (p.Thr1573Met)

Gene: LTBP2 (latent transforming growth factor beta binding protein 2; minus strand). Cytogenetic location: 14q24.3.
Variant type: single nucleotide variant.
Coding change: c.4718C>T on transcript NM_000428.3 (MANE Select); coding-DNA position 4718, C replaced by T.
Protein change: p.Thr1573Met; replaces threonine 1573 with methionine.
Molecular consequence: missense variant.
Genome position (GRCh38, 1-based): chr14:74,503,471, G>A on the plus strand (C>T on the coding strand, the complement: LTBP2 is on the minus strand). VCF-style: chr14-74503471-G-A. GRCh37 (hg19) VCF-style: chr14-74970174-G-A.
Other names: c.4718C>T (NM_000428.2); short protein forms T1573M.
Identifiers: ClinVar variation 2421992 (VCV002421992.7), dbSNP rs931485297, ClinGen allele CA263579032.